The following is an entry in ClinVar:

NM_000558.5(HBA1):c.*79C>A

Genes: HBA1 (hemoglobin subunit alpha 1; plus strand), LOC106804613 (hemoglobin subunit alpha 1 recombination region; plus strand). Cytogenetic location: 16p13.3.
Variant type: single nucleotide variant.
Coding change: c.*79C>A on transcript NM_000558.5 (MANE Select); 79 bases downstream of the stop codon, C replaced by A.
Molecular consequence: 3 prime UTR variant.
Genome position (GRCh38, 1-based): chr16:177,490, C>A. VCF-style: chr16-177490-C-A. GRCh37 (hg19) VCF-style: chr16-227489-C-A.
Identifiers: ClinVar variation 2775409 (VCV002775409.2), dbSNP rs556340454, ClinGen allele CA2630736516.

ClinVar aggregate classification (germline): Uncertain significance (1 of 4 stars; one submission).

Conditions:
Thalassemia. Identifiers: MedGen C0039730, MONDO:0000984.

Submission:

MVZ Dr. Eberhard & Partner Dortmund
Classification: Uncertain significance for Thalassemia. Last evaluated: 2023-07-07. Review status: criteria provided, single submitter. Criteria: ACMG Guidelines, 2015. Collection method: clinical testing. Allele origin: unknown. Observed: 1 heterozygote.
Comment: This variant was absent from literature, variant databases and control databases. The computational evidence is inconclusive. There is no evidence for a stabilizing region next to the variant position in the 3' UTR. The wildtype mRNA is supposed to form a bulge at the base 79 (position 98 in the 3' UTR). The change from C to A at position 79